The following is an entry in ClinVar:

ClinVar aggregate classification (germline): Likely benign (1 of 4 stars; one submission).

Conditions:
ASIC5-related disorder. Also called: ASIC5-related condition.

gnomAD v4.1: 66 of 1,567,242 alleles (0.0042%); highest among the groups gnomAD compares: Admixed American, 0.022%; no homozygotes.

Submission:

PreventionGenetics, part of Exact Sciences
Classification: Likely benign for ASIC5-related condition. Last evaluated: 2026-06-16. Review status: criteria provided, single submitter. Criteria: ACMG Guidelines, 2015. Collection method: clinical testing. Allele origin: germline.
Comment: This variant is classified as likely benign based on ACMG/AMP sequence variant interpretation guidelines (Richards et al. 2015 PMID: 25741868, with internal and published modifications).

NM_017419.3(ASIC5):c.1326T>C (p.Leu442=)

Gene: ASIC5 (acid sensing ion channel subunit family member 5; minus strand). Cytogenetic location: 4q32.1.
Variant type: single nucleotide variant.
Coding change: c.1326T>C on transcript NM_017419.3 (MANE Select); coding-DNA position 1326, T replaced by C.
Protein change: p.Leu442=; no amino-acid change (leucine 442 retained).
Molecular consequence: synonymous variant.
Genome position (GRCh38, 1-based): chr4:155,831,825, A>G on the plus strand (T>C on the coding strand, the complement: ASIC5 is on the minus strand). VCF-style: chr4-155831825-A-G. GRCh37 (hg19) VCF-style: chr4-156752977-A-G.
Identifiers: ClinVar variation 4979515 (VCV004979515.1).